The following continues an entry in ClinVar:

NM_002485.5(NBN):c.657_661del (p.Lys219fs)

Gene: NBN. ClinVar aggregate classification (germline): Pathogenic. Pathogenic (41).

Submissions 40 to 53 of 53:

Institute of Human Genetics, University Hospital of Duesseldorf
Classification: Pathogenic for Familial prostate cancer. Review status: criteria provided, single submitter. Criteria: ACMG Guidelines, 2015. Collection method: not provided. Allele origin: germline. Inheritance: Autosomal dominant inheritance. Affected: yes.

Seattle Children's Hospital Molecular Genetics Laboratory, Seattle Children's Hospital
Classification: Pathogenic for Microcephaly, normal intelligence and immunodeficiency. Review status: criteria provided, single submitter. Criteria: ACMG Guidelines, 2015. Collection method: clinical testing. Allele origin: germline. Affected: yes.
Comment: The p.Lys219Asnfs*16 variant is predicted to substitute the lysine at amino acid position 219 with an asparagine followed by a premature termination codon after 16 amino acids. This is predicted to result in decreased function of the NBN protein due to a truncated or absent gene product. The p.Lys219Asnfs*16 variant is a known founder variant among individuals of Slavic ancestry and has been reported many times in the homozygous state in affected individuals (PMID: 9590180, 11093281, 29419426 and others). The p.Lys219Asnfs*16 variant accounts for approximately 100% of pathogenic alleles in individuals from Poland, Czech Republic, and Ukraine and for 70% of pathogenic alleles in the United States. It is estimated that the carrier frequency of the p.Lys219Asnfs*16 variant is as high as 1 in 154 individuals of Slavic origin but varies by region (PMID: 11093281).

CZECANCA consortium
Classification: Likely pathogenic for Hepatocellular carcinoma. Last evaluated: 2022-05-17. Review status: no assertion criteria provided. Collection method: case-control. Allele origin: germline. Affected: yes. Not counted in ClinVar's aggregate classification.

Clinic of Clinical Immunology with Stem Cell Bank, Expert Centre for Rare Diseases - PID, University Hospital "Alexandrovska"
Classification: Pathogenic for Microcephaly, normal intelligence and immunodeficiency. Last evaluated: 2022-05-01. Review status: no assertion criteria provided. Collection method: clinical testing. Allele origin: germline. Affected: yes. Not counted in ClinVar's aggregate classification.

Medical Genetics Laboratory, Umraniye Training and Research Hospital, University of Health Sciences
Classification: Pathogenic for Breast carcinoma. Last evaluated: 2021-08-20. Review status: no assertion criteria provided. Collection method: clinical testing. Allele origin: germline. Affected: yes. Observed: 1 variant allele, 1 heterozygote. Not counted in ClinVar's aggregate classification.
Comment: Invasive Ductal Carcinoma Estrogen Receptor: Positive Progesterone Receptor: Positive HER2 Receptor: Positive

CZECANCA consortium
Classification: Pathogenic for Carcinoma of pancreas. Last evaluated: 2021-03-04. Review status: no assertion criteria provided. Collection method: clinical testing. Allele origin: germline. Affected: yes. Observed: 3 variant alleles. Not counted in ClinVar's aggregate classification.

CZECANCA consortium
Classification: Pathogenic for Breast and/or ovarian cancer. Last evaluated: 2019-06-11. Review status: no assertion criteria provided. Collection method: case-control, clinical testing. Allele origin: germline. Affected: no and yes. Observed: 13 variant alleles. Not counted in ClinVar's aggregate classification.

Counsyl
Classification: Pathogenic for Microcephaly, normal intelligence and immunodeficiency. Last evaluated: 2015-06-13. Review status: no assertion criteria provided. Collection method: clinical testing. Allele origin: unknown. Not counted in ClinVar's aggregate classification.

OMIM
Classification: Pathogenic for NIJMEGEN BREAKAGE SYNDROME. Last evaluated: 2008-10-15. Review status: no assertion criteria provided. Collection method: literature only. Allele origin: unknown. Not counted in ClinVar's aggregate classification.

OMIM
Classification: risk factor for OVARIAN CANCER, SUSCEPTIBILITY TO. Last evaluated: 2008-10-15. Review status: no assertion criteria provided. Collection method: literature only. Allele origin: unknown. Not counted in ClinVar's aggregate classification.

Department of Pathology and Laboratory Medicine, Sinai Health System
Classification: Pathogenic for Malignant tumor of breast. Review status: no assertion criteria provided. Collection method: clinical testing. Allele origin: unknown. Affected: yes. Study: The Canadian Open Genetics Repository (COGR). Not counted in ClinVar's aggregate classification.
Comment: The NBN p.Lys219Asnfs*16 variant was identified in 50 of 30494 proband chromosomes (frequency: 0.002) from individuals or families with pancreatic ductal adenocarcinoma, medulloblastoma, prostate cancer, breast cancer, ovarian cancer, non-Hodgkin lymphoma, or colorectal cancer and was present in 20 of 6450 control chromosomes (frequency: 0.003) from healthy individuals (Borecka 2016, Ciara 2010, Cybulski 2004, Domagala 2015, Kraus 2017, Lhota 2016, Steffen 2004, Susswein 2015, Tung 2015). This variant is a Slavic founder mutation with carrier frequency among newborns in the range of 1/154 in the Czech Republic to 1/190 in Poland (Steffen 2004). The variant was also identified in dbSNP (ID: rs587776650 as "With Pathogenic allele"), ClinVar (classified as pathogenic by Invitae, GeneDx, Ambry Genetics and twelve other submitters), and LOVD 3.0 (4x). The variant was identified in control databases in 55 of 276598 chromosomes at a frequency of 0.0002 (Genome Aggregation Database Feb 27, 2017). The variant was observed in the following populations: European in 50 of 126360 chromosomes (freq: 0.0004), Other in 1 of 6436 chromosomes (freq: 0.0002), Finnish in 2 of 25738 chromosomes (freq: 0.00008), and Latino in 2 of 34324 chromosomes (freq: 0.00006); it was not observed in the African, Ashkenazi Jewish, East Asian, or South Asian populations. Functional studies have reported that the variant leads to two truncated fragments, p26 and p70 nibrin, and the translation of a short N-terminal protein with FHA/BRCT domains, therefore maintaining some function of the full-length NBS1 protein (Dzikiewicz-Krawczyk 2008, Cilli 2014). The variant has been associated with an increased risk of breast cancer and medulloblastoma, and a significant increase in overall cancer risks (Zhang 2013, Ciara 2010, Gao 2013, Borecka 2016). The c.657_661del variant is predicted to cause a frameshift, which alters the protein's amino acid sequence beginning at codon 219 and leads to a premature stop codon at position 234. This alteration is then predicted to result in a truncated or absent protein and loss of function. Loss of function variants of the NBN gene are an established mechanism of disease in NBN-associated cancer and is the type of variant expected to cause the disorder. In summary, based on the above information, this variant meets our laboratoryâ€šÃ„Ã´s criteria to be classified as pathogenic.

GeneReviews
No classification provided. Condition: Microcephaly, normal intelligence and immunodeficiency. Review status: no classification provided. Collection method: literature only. Allele origin: germline. Not counted in ClinVar's aggregate classification.

Laboratory for Molecular Medicine, Mass General Brigham Personalized Medicine
Classification: risk factor. Last evaluated: 2019-05-08. Review status: flagged submission. Criteria: LMM Criteria. Collection method: clinical testing. Allele origin: germline. Observed: 1 variant allele. Not counted in ClinVar's aggregate classification.
Comment: The p.Lys219AsnfsX16 variant in NBN is associated with an increased risk for NBN-related cancers (Gao 2013, Zhang 2012). Large meta-analyses have reported significant odds ratios in carriers of the variant for multiple cancers, particularly breast cancer (OR = 2.63 [95% CI=1.76-3.93]), prostate cancer (OR = 5.87 [95% CI=2.51-13.75]), and lymphoma (OR = 2.93 [95% CI=1.62-5.29]) (Gao 2013, Zhang 2012). Additionally, in the bi-allelic state, this variant is the most common variant associated with autosomal recessive Nijmegen Breakage Syndrome (NBS). It has also been identified in 52/128774 European chromosomes by gnomAD. This variant has also been reported in ClinVar (Variation ID: 6940). This variant is predicted to cause a frameshift, which alters the proteinâ€™s amino acid sequence beginning at position 219 and leads to a premature termination codon 16 amino acids downstream. This alteration is then predicted to lead to a truncated or absent protein. Loss of function of the NBN gene is an established disease mechanism in autosomal recessive NBS. In vitro functional studies support an impact on protein function and show that this variant leads to the production of an abnormal protein product (Maser 2001, Dzikiewicz-Krawczyk 2012). In summary, this variant meets criteria to be classified as an established risk allele for breast, prostate, and lymphoid cancers.
ClinVar note: Reason: This record appears to be redundant with a more recent record from the same submitter.
ClinVar note: Notes: SCV001365763 appears to be redundant with SCV001365920.

Department of Pediatric Oncology,  Hematology and Clinical Immunology, University Clinics Duesseldorf
Classification: Uncertain significance for Hereditary cancer-predisposing syndrome. Review status: flagged submission. Criteria: ACMG Guidelines, 2015. Collection method: research. Allele origin: maternal. Affected: yes. Observed: 1 heterozygote. Not counted in ClinVar's aggregate classification.
ClinVar note: Reason: Outlier claim with insufficient supporting evidence

Literature cited by the submitters: PubMed 14973119 (cited by 5 submitters); PubMed 15185344 (cited by 5 submitters); PubMed 18606567 (cited by 3 submitters); PubMed 19908051 (cited by 5 submitters); PubMed 24113799 (cited by 4 submitters); PubMed 9590180 (cited by 10 submitters); PubMed 16033915 (cited by 4 submitters); PubMed 22131123 (cited by 6 submitters); PubMed 22941933 (cited by 5 submitters); PubMed 32441320 (cited by Natera, Inc.); PubMed 9620777 (cited by 3 submitters); PubMed 10799436 (cited by 3 submitters); PubMed 10852373 (cited by 3 submitters); PubMed 11093281 (cited by Ambry Genetics); PubMed 11279524 (cited by 7 submitters); PubMed 20301355 (cited by Ambry Genetics); PubMed 22293976 (cited by Ambry Genetics and Counsyl); PubMed 26083025 (cited by Ambry Genetics and Quest Diagnostics Nichols Institute San Juan Capistrano); PubMed 26822949 (cited by 3 submitters); PubMed 27150568 (cited by 4 submitters); PubMed 27616075 (cited by Ambry Genetics and Quest Diagnostics Nichols Institute San Juan Capistrano); PubMed 31187634 (cited by Ambry Genetics); PubMed 19635536 (cited by 3 submitters); PubMed 11953735 (cited by 4 submitters); PubMed 10398434 (cited by Mayo Clinic Laboratories, Mayo Clinic and OMIM); PubMed 10848790 (cited by Mayo Clinic Laboratories, Mayo Clinic and Quest Diagnostics Nichols Institute San Juan Capistrano); PubMed 12123493 (cited by Mayo Clinic Laboratories, Mayo Clinic and OMIM); PubMed 12505263 (cited by Mayo Clinic Laboratories, Mayo Clinic and OMIM); PubMed 12833396 (cited by Mayo Clinic Laboratories, Mayo Clinic and OMIM); PubMed 12845677 (cited by Mayo Clinic Laboratories, Mayo Clinic and Quest Diagnostics Nichols Institute San Juan Capistrano); PubMed 17103455 (cited by Mayo Clinic Laboratories, Mayo Clinic and OMIM); PubMed 22491912 (cited by Mayo Clinic Laboratories, Mayo Clinic and Quest Diagnostics Nichols Institute San Juan Capistrano); PubMed 23317186 (cited by 4 submitters); PubMed 25485873 (cited by Mayo Clinic Laboratories, Mayo Clinic and Quest Diagnostics Nichols Institute San Juan Capistrano); PubMed 29368341 (cited by 3 submitters); PubMed 30426508 (cited by 3 submitters); PubMed 31173646 (cited by Mayo Clinic Laboratories, Mayo Clinic and Quest Diagnostics Nichols Institute San Juan Capistrano); PubMed 33050356 (cited by Mayo Clinic Laboratories, Mayo Clinic and Quest Diagnostics Nichols Institute San Juan Capistrano); PubMed 33471974 (cited by Mayo Clinic Laboratories, Mayo Clinic and Quest Diagnostics Nichols Institute San Juan Capistrano); PubMed 34072463 (cited by Mayo Clinic Laboratories, Mayo Clinic and Quest Diagnostics Nichols Institute San Juan Capistrano); PubMed 35309086 (cited by Mayo Clinic Laboratories, Mayo Clinic and Quest Diagnostics Nichols Institute San Juan Capistrano); PubMed 15279809 (cited by Quest Diagnostics Nichols Institute San Juan Capistrano); PubMed 25980754 (cited by Quest Diagnostics Nichols Institute San Juan Capistrano); PubMed 33471991 (cited by Quest Diagnostics Nichols Institute San Juan Capistrano); PubMed 33840814 (cited by Quest Diagnostics Nichols Institute San Juan Capistrano); PubMed 34544220 (cited by Quest Diagnostics Nichols Institute San Juan Capistrano); PubMed 34072659 (cited by Quest Diagnostics Nichols Institute San Juan Capistrano); PubMed 9590181 (cited by Quest Diagnostics Nichols Institute San Juan Capistrano); PubMed 29419426 (cited by Quest Diagnostics Nichols Institute San Juan Capistrano); PubMed 22373003 (cited by Sema4); PubMed 28873162 (cited by Department of Pediatrics, Memorial Sloan Kettering Cancer Center); PubMed 32295079 (cited by CZECANCA consortium); PubMed 16544999 (cited by Counsyl); PubMed 18940477 (cited by OMIM); PubMed 20444919 (cited by GeneReviews); NCBI Bookshelf NBK1176 (cited by GeneReviews).